The following is an entry in ClinVar:

NM_001040108.2(MLH3):c.3357T>C (p.Thr1119=)

Gene: MLH3 (mutL homolog 3; minus strand). Cytogenetic location: 14q24.3.
Variant type: single nucleotide variant.
Coding change: c.3357T>C on transcript NM_001040108.2 (MANE Select); coding-DNA position 3357, T replaced by C.
Protein change: p.Thr1119=; no amino-acid change (threonine 1119 retained).
Molecular consequence: synonymous variant.
Genome position (GRCh38, 1-based): chr14:75,042,401, A>G on the plus strand (T>C on the coding strand, the complement: MLH3 is on the minus strand). VCF-style: chr14-75042401-A-G. GRCh37 (hg19) VCF-style: chr14-75509104-A-G.
Other names: c.3357T>C, p.Thr1119= (NM_014381.3).
Identifiers: ClinVar variation 1730562 (VCV001730562.3), dbSNP rs2503219972, ClinGen allele CA487176774.

ClinVar aggregate classification (germline): Benign/Likely benign. Review status: criteria provided, multiple submitters, no conflicts (2 of 4 stars). 2 submissions from 2 submitters: Benign (1); Likely benign (1). Last evaluated 2026-09-14.

Conditions:
Colorectal cancer, hereditary nonpolyposis, type 7. Identifiers: Orphanet 144, MedGen C1858380, MONDO:0013725, OMIM 614385.

Allele frequency attached by ClinVar (database versions not stated): gnomAD exomes below 0.00001.
gnomAD v4.1: 1 of 1,614,168 alleles (0.000062%); highest among the groups gnomAD compares: Non-Finnish European, 0.000085%; no homozygotes.

Submissions (2):

Myriad Genetics, Inc.
Classification: Benign for Colorectal cancer, hereditary nonpolyposis, type 7. Last evaluated: 2026-09-14. Review status: criteria provided, single submitter. Criteria: Myriad Autosomal Dominant, Autosomal Recessive and X-Linked Classification Criteria (2023). Collection method: clinical testing. Allele origin: unknown.
Comment: This variant is considered benign. This variant is a silent/synonymous amino acid change and it is not expected to impact splicing.

Ambry Genetics
Classification: Likely benign. Last evaluated: 2022-07-05. Review status: criteria provided, single submitter. Criteria: Ambry Variant Classification Scheme 2023. Collection method: clinical testing. Allele origin: germline.